The following is an entry in ClinVar:

ClinVar aggregate classification (germline): Uncertain significance. Review status: criteria provided, multiple submitters, no conflicts (2 of 4 stars). 3 submissions from 3 submitters: Uncertain significance (3). Last evaluated 2025-03-06.

Conditions:
Inborn genetic diseases. Identifiers: MedGen C0950123, MeSH D030342.

Allele frequency attached by ClinVar (database versions not stated): ExAC 0.00002; gnomAD 0.00004; TOPMed 0.00004.
gnomAD v4.1: 24 of 1,613,918 alleles (0.0015%); highest among the groups gnomAD compares: African/African-American, 0.017%; no homozygotes.

Submissions (3):

Ambry Genetics
Classification: Uncertain significance for Inborn genetic diseases. Last evaluated: 2025-03-06. Review status: criteria provided, single submitter. Criteria: Ambry Variant Classification Scheme 2023. Collection method: clinical testing. Allele origin: germline.

GeneDx
Classification: Uncertain significance. Last evaluated: 2023-01-13. Review status: criteria provided, single submitter. Criteria: GeneDx Variant Classification Process June 2021. Collection method: clinical testing. Allele origin: germline. Affected: yes.
Comment: In silico analysis supports that this missense variant has a deleterious effect on protein structure/function; Has not been previously published as pathogenic or benign to our knowledge

CeGaT Center for Human Genetics Tuebingen
Classification: Uncertain significance. Last evaluated: 2022-09-01. Review status: criteria provided, single submitter. Criteria: CeGaT Center For Human Genetics Tuebingen Variant Classification Criteria Version 2. Collection method: clinical testing. Allele origin: germline. Affected: yes. Observed: 1 variant allele.
Comment: ATAD3A: PM2, BP4

NM_001170535.3(ATAD3A):c.1024C>T (p.Arg342Cys)

Gene: ATAD3A (ATPase family AAA domain containing 3A; plus strand). Cytogenetic location: 1p36.33.
Variant type: single nucleotide variant.
Coding change: c.1024C>T on transcript NM_001170535.3 (MANE Select); coding-DNA position 1024, C replaced by T.
Protein change: p.Arg342Cys; replaces arginine 342 with cysteine.
Molecular consequence: missense variant.
Genome position (GRCh38, 1-based): chr1:1,523,899, C>T. VCF-style: chr1-1523899-C-T. GRCh37 (hg19) VCF-style: chr1-1459279-C-T.
Other names: c.1168C>T (NM_018188.3); c.787C>T, p.Arg263Cys (NM_001170536.3); c.1168C>T, p.Arg390Cys (NM_018188.5); short protein forms R263C, R342C, R390C.
Identifiers: ClinVar variation 2572856 (VCV002572856.26), dbSNP rs746463437, ClinGen allele CA526150.
Genomic context (GRCh38, chr1:1,523,899, plus strand): 5'-CCCAGCCTGGAAGCACGGGTGCGCGACATCGCCATAGCAACAAGGAACACCAAGAAGAAC[C>T]GCAGCCTGTACAGGAACATCCTGATGTACGGGCCACCAGGCACCGGGAAGACGCTGTTTG-3'
Protein context (NP_001164006.1, residues 332-352): AIATRNTKKN[Arg342Cys]SLYRNILMYG